The following is an entry in ClinVar:

ClinVar aggregate classification (germline): Uncertain significance (1 of 4 stars; one submission).

Allele frequency attached by ClinVar (database versions not stated): gnomAD 0.00001; gnomAD exomes 0.00001.

Submission:

Labcorp Genetics (formerly Invitae), Labcorp
Classification: Uncertain significance. Last evaluated: 2022-10-19. Review status: criteria provided, single submitter. Criteria: Invitae Variant Classification Sherloc (09022015). Collection method: clinical testing. Allele origin: germline.
Comment: In summary, the available evidence is currently insufficient to determine the role of this variant in disease. Therefore, it has been classified as a Variant of Uncertain Significance. Advanced modeling of protein sequence and biophysical properties (such as structural, functional, and spatial information, amino acid conservation, physicochemical variation, residue mobility, and thermodynamic stability) performed at Invitae indicates that this missense variant is not expected to disrupt RP1L1 protein function. This variant has not been reported in the literature in individuals affected with RP1L1-related conditions. This variant is present in population databases (no rsID available, gnomAD 0.003%). This sequence change replaces alanine, which is neutral and non-polar, with threonine, which is neutral and polar, at codon 52 of the RP1L1 protein (p.Ala52Thr).

NM_178857.6(RP1L1):c.154G>A (p.Ala52Thr)

Gene: RP1L1 (RP1 like 1). Cytogenetic location: 8p23.1.
Variant type: single nucleotide variant.
Coding change: c.154G>A on transcript NM_178857.6 (MANE Select); coding-DNA position 154, G replaced by A.
Protein change: p.Ala52Thr; replaces alanine 52 with threonine.
Molecular consequence: missense variant.
Genome position (GRCh38, 1-based): chr8:10,623,048, C>T on the plus strand (G>A on the coding strand, the complement: RP1L1 is on the minus strand). VCF-style: chr8-10623048-C-T. GRCh37 (hg19) VCF-style: chr8-10480558-C-T.
Other names: short protein forms A52T.
Identifiers: ClinVar variation 2873189 (VCV002873189.3), dbSNP rs1438621917, ClinGen allele CA370301012.